The following is an entry in ClinVar:

ClinVar aggregate classification (germline): Uncertain significance (1 of 4 stars; one submission).

Submission:

GeneDx
Classification: Uncertain significance. Last evaluated: 2024-12-03. Review status: criteria provided, single submitter. Criteria: GeneDx Variant Classification Process June 2021. Collection method: clinical testing. Allele origin: germline. Affected: yes.
Comment: Not observed at significant frequency in large population cohorts (gnomAD); In silico analysis supports that this missense variant has a deleterious effect on protein structure/function; Has not been previously published as pathogenic or benign to our knowledge

NM_005862.3(STAG1):c.1007G>T (p.Gly336Val)

Gene: STAG1 (STAG1 cohesin complex component; minus strand). Cytogenetic location: 3q22.3.
Variant type: single nucleotide variant.
Coding change: c.1007G>T on transcript NM_005862.3 (MANE Select); coding-DNA position 1007, G replaced by T.
Protein change: p.Gly336Val; replaces glycine 336 with valine.
Molecular consequence: missense variant.
Genome position (GRCh38, 1-based): chr3:136,477,308, C>A on the plus strand (G>T on the coding strand, the complement: STAG1 is on the minus strand). VCF-style: chr3-136477308-C-A. GRCh37 (hg19) VCF-style: chr3-136196150-C-A.
Other names: short protein forms G336V.
Identifiers: ClinVar variation 1213249 (VCV001213249.4), dbSNP rs2107821285, ClinGen allele CA354652707.